The following is an entry in ClinVar:

NM_001040716.2(PC):c.1296C>T (p.His432=)

Gene: PC (pyruvate carboxylase; minus strand). Cytogenetic location: 11q13.2.
Variant type: single nucleotide variant.
Coding change: c.1296C>T on transcript NM_001040716.2 (MANE Select); coding-DNA position 1296, C replaced by T.
Protein change: p.His432=; no amino-acid change (histidine 432 retained).
Molecular consequence: synonymous variant.
Genome position (GRCh38, 1-based): chr11:66,863,846, G>A on the plus strand (C>T on the coding strand, the complement: PC is on the minus strand). VCF-style: chr11-66863846-G-A. GRCh37 (hg19) VCF-style: chr11-66631317-G-A.
Other names: p.His432=; c.1296C>T, p.His432= (NM_000920.4, NM_022172.3); c.1296C>T (NM_001040716.1).
Identifiers: ClinVar variation 762452 (VCV000762452.14), dbSNP rs751412938, ClinGen allele CA6131923.

ClinVar aggregate classification (germline): Likely benign. Review status: criteria provided, multiple submitters, no conflicts (2 of 4 stars). 4 submissions from 4 submitters: Likely benign (3). 1 of the submissions does not count toward it. Last evaluated 2025-10-16.

Conditions:
Pyruvate carboxylase deficiency. Also called: PC DEFICIENCY; ATAXIA WITH LACTIC ACIDOSIS II; LEIGH NECROTIZING ENCEPHALOPATHY DUE TO PYRUVATE CARBOXYLASE DEFICIENCY; LEIGH SYNDROME DUE TO PYRUVATE CARBOXYLASE DEFICIENCY; Pyruvate Carboxylase Deficiency Disease. Identifiers: Orphanet 3008, MedGen C0034341, MONDO:0009949, OMIM 266150.
PC-related disorder. Also called: PC-related condition.

Allele frequency attached by ClinVar (database versions not stated): gnomAD exomes 0.00001; ExAC 0.00002; TOPMed 0.00002; gnomAD 0.00003 and 0.00004.
gnomAD v4.1: 36 of 1,613,890 alleles (0.0022%); highest among the groups gnomAD compares: Middle Eastern, 0.016%; no homozygotes.

Submissions (4):

Labcorp Genetics (formerly Invitae), Labcorp
Classification: Likely benign for Pyruvate carboxylase deficiency. Last evaluated: 2025-10-16. Review status: criteria provided, single submitter. Criteria: Invitae Variant Classification Sherloc (09022015). Collection method: clinical testing. Allele origin: germline.

Mayo Clinic Laboratories, Mayo Clinic
Classification: Likely benign. Last evaluated: 2025-06-23. Review status: criteria provided, single submitter. Criteria: ACMG Guidelines, 2015. Collection method: clinical testing. Allele origin: germline. Observed: 2 variant alleles.
Comment: BP4, BP7, PM2_supporting

Blueprint Genetics
Classification: Likely benign. Last evaluated: 2024-05-23. Review status: criteria provided, single submitter. Criteria: ACMG Guidelines, 2015. Collection method: clinical testing. Allele origin: germline.

PreventionGenetics, part of Exact Sciences
Classification: Likely benign for PC-related condition. Last evaluated: 2019-05-14. Review status: no assertion criteria provided. Collection method: clinical testing. Allele origin: germline. Not counted in ClinVar's aggregate classification.
Comment: This variant is classified as likely benign based on ACMG/AMP sequence variant interpretation guidelines (Richards et al. 2015 PMID: 25741868, with internal and published modifications).